The following is an entry in ClinVar:

NM_172364.5(CACNA2D4):c.2716C>T (p.Arg906Ter)

Gene: CACNA2D4 (calcium voltage-gated channel auxiliary subunit alpha2delta 4; minus strand). Cytogenetic location: 12p13.33.
Variant type: single nucleotide variant.
Coding change: c.2716C>T on transcript NM_172364.5 (MANE Select); coding-DNA position 2716, C replaced by T.
Protein change: p.Arg906Ter; replaces arginine 906 with a stop codon.
Molecular consequence: nonsense.
Genome position (GRCh38, 1-based): chr12:1,810,283, G>A on the plus strand (C>T on the coding strand, the complement: CACNA2D4 is on the minus strand). VCF-style: chr12-1810283-G-A. GRCh37 (hg19) VCF-style: chr12-1919449-G-A.
Other names: short protein forms R906*.
Identifiers: ClinVar variation 1411920 (VCV001411920.5), dbSNP rs763125834, ClinGen allele CA383349926.

ClinVar aggregate classification (germline): Uncertain significance (1 of 4 stars; one submission).

gnomAD v4.1: 4 of 1,613,162 alleles (0.00025%); highest among the groups gnomAD compares: East Asian, 0.0022%; no homozygotes.

Submission:

Labcorp Genetics (formerly Invitae), Labcorp
Classification: Uncertain significance. Last evaluated: 2023-10-24. Review status: criteria provided, single submitter. Criteria: Invitae Variant Classification Sherloc (09022015). Collection method: clinical testing. Allele origin: germline.
Comment: This sequence change creates a premature translational stop signal (p.Arg906*) in the CACNA2D4 gene. It is expected to result in an absent or disrupted protein product. However, the current clinical and genetic evidence is not sufficient to establish whether loss-of-function variants in CACNA2D4 cause disease. This variant is not present in population databases (gnomAD no frequency). This variant has not been reported in the literature in individuals affected with CACNA2D4-related conditions. ClinVar contains an entry for this variant (Variation ID: 1411920). In summary, the available evidence is currently insufficient to determine the role of this variant in disease. Therefore, it has been classified as a Variant of Uncertain Significance.